The following is an entry in ClinVar:

NM_000553.6(WRN):c.2078C>G (p.Ala693Gly)

Gene: WRN (WRN RecQ like helicase; plus strand). Cytogenetic location: 8p12.
Variant type: single nucleotide variant.
Coding change: c.2078C>G on transcript NM_000553.6 (MANE Select); coding-DNA position 2078, C replaced by G.
Protein change: p.Ala693Gly; replaces alanine 693 with glycine.
Molecular consequence: missense variant.
Genome position (GRCh38, 1-based): chr8:31,100,945, C>G. VCF-style: chr8-31100945-C-G. GRCh37 (hg19) VCF-style: chr8-30958461-C-G.
Other names: short protein forms A693G.
Identifiers: ClinVar variation 834300 (VCV000834300.5), dbSNP rs760090174, ClinGen allele CA4704611.

ClinVar aggregate classification (germline): Uncertain significance (1 of 4 stars; one submission).

Conditions:
Werner syndrome (WRN). Identifiers: Orphanet 902, MedGen C0043119, MONDO:0010196, OMIM 277700.

gnomAD v4.1: 16 of 1,613,722 alleles (0.00099%); highest among the groups gnomAD compares: South Asian, 0.018%; no homozygotes.

Submission:

Labcorp Genetics (formerly Invitae), Labcorp
Classification: Uncertain significance for Werner syndrome. Last evaluated: 2024-08-28. Review status: criteria provided, single submitter. Criteria: Invitae Variant Classification Sherloc (09022015). Collection method: clinical testing. Allele origin: germline.
Comment: This sequence change replaces alanine, which is neutral and non-polar, with glycine, which is neutral and non-polar, at codon 693 of the WRN protein (p.Ala693Gly). This variant is present in population databases (rs760090174, gnomAD 0.01%). This variant has not been reported in the literature in individuals affected with WRN-related conditions. ClinVar contains an entry for this variant (Variation ID: 834300). An algorithm developed to predict the effect of missense changes on protein structure and function (PolyPhen-2) suggests that this variant is likely to be disruptive. In summary, the available evidence is currently insufficient to determine the role of this variant in disease. Therefore, it has been classified as a Variant of Uncertain Significance.